The following is an entry in ClinVar:

ClinVar aggregate classification (germline): Uncertain significance (1 of 4 stars; one submission).

Allele frequency attached by ClinVar (database versions not stated): gnomAD 0.00001.
gnomAD v4.1: 1 of 1,613,150 alleles (0.000062%); highest among the groups gnomAD compares: Non-Finnish European, 0.000085%; no homozygotes.

Submission:

Labcorp Genetics (formerly Invitae), Labcorp
Classification: Uncertain significance. Last evaluated: 2022-10-03. Review status: criteria provided, single submitter. Criteria: Invitae Variant Classification Sherloc (09022015). Collection method: clinical testing. Allele origin: germline.
Comment: Algorithms developed to predict the effect of sequence changes on RNA splicing suggest that this variant may disrupt the consensus splice site. In summary, the available evidence is currently insufficient to determine the role of this variant in disease. Therefore, it has been classified as a Variant of Uncertain Significance. Algorithms developed to predict the effect of missense changes on protein structure and function are either unavailable or do not agree on the potential impact of this missense change (SIFT: "Deleterious"; PolyPhen-2: "Probably Damaging"; Align-GVGD: "Class C0"). This sequence change replaces serine, which is neutral and polar, with proline, which is neutral and non-polar, at codon 3065 of the HMCN1 protein (p.Ser3065Pro). This variant is present in population databases (no rsID available, gnomAD 0.007%). This variant has not been reported in the literature in individuals affected with HMCN1-related conditions.

NM_031935.3(HMCN1):c.9193T>C (p.Ser3065Pro)

Gene: HMCN1 (hemicentin 1; plus strand). Cytogenetic location: 1q31.1.
Variant type: single nucleotide variant.
Coding change: c.9193T>C on transcript NM_031935.3 (MANE Select); coding-DNA position 9193, T replaced by C.
Protein change: p.Ser3065Pro; replaces serine 3065 with proline.
Molecular consequence: missense variant.
Genome position (GRCh38, 1-based): chr1:186,087,475, T>C. VCF-style: chr1-186087475-T-C. GRCh37 (hg19) VCF-style: chr1-186056607-T-C.
Other names: short protein forms S3065P.
Identifiers: ClinVar variation 1954933 (VCV001954933.5), dbSNP rs1427879591, ClinGen allele CA343919403.
Genomic context (GRCh38, chr1:186,087,475, plus strand): 5'-AAATCCTTCTGTTATTTTCTTCCCTCAGTGCCCCCAAGCATTAAAGACCATGACAGTGAA[T>C]CTCTTTCTGTAGTTAATGTAAGAGAGGGAACTTCTGTGTCTTTGGAGTGTGAGTCGAACG-3'
Protein context (NP_114141.2, residues 3055-3075): PPSIKDHDSE[Ser3065Pro]LSVVNVREGT